The following is an entry in ClinVar:

NM_000075.4(CDK4):c.42_45del (p.Gly15fs)

Gene: CDK4 (cyclin dependent kinase 4; minus strand). Cytogenetic location: 12q14.1.
Variant type: Deletion.
Coding change: c.42_45del on transcript NM_000075.4 (MANE Select); coding-DNA positions 42 to 45, 4 bases deleted (CGGT; older notation c.42_45delCGGT).
Protein change: p.Gly15fs; shifts the reading frame from glycine 15.
Molecular consequence: frameshift variant.
Genome position (GRCh38, 1-based): chr12:57,751,673-57,751,676, ACCG deleted on the plus strand (CGGT on the coding strand, the reverse complement: CDK4 is on the minus strand); deleting any 4 consecutive bases within chr12:57,751,673-57,751,678 gives the same sequence; the c. name uses the placement nearest the transcript's 3' end. VCF-style (leftmost placement, unchanged base first): chr12-57751672-CACCG-C. GRCh37 (hg19) VCF-style: chr12-58145455-CACCG-C.
Other names: short protein forms G15fs.
Identifiers: ClinVar variation 1350270 (VCV001350270.6), dbSNP rs2140388683, ClinGen allele CA2573148921.

ClinVar aggregate classification (germline): Uncertain significance (1 of 4 stars; one submission).

Conditions:
Familial melanoma. Also called: Hereditary melanoma; Hereditary cutaneous melanoma. Identifiers: Orphanet 618, MedGen C1512419, MONDO:0018961.

Submission:

Labcorp Genetics (formerly Invitae), Labcorp
Classification: Uncertain significance for Familial melanoma. Last evaluated: 2022-10-08. Review status: criteria provided, single submitter. Criteria: Invitae Variant Classification Sherloc (09022015). Collection method: clinical testing. Allele origin: germline.
Comment: This sequence change creates a premature translational stop signal (p.Gly15Profs*22) in the CDK4 gene. It is expected to result in an absent or disrupted protein product. However, the current clinical and genetic evidence is not sufficient to establish whether loss-of-function variants in CDK4 cause disease. This variant is not present in population databases (gnomAD no frequency). This variant has not been reported in the literature in individuals affected with CDK4-related conditions. In summary, the available evidence is currently insufficient to determine the role of this variant in disease. Therefore, it has been classified as a Variant of Uncertain Significance. Algorithms developed to predict the effect of sequence changes on RNA splicing suggest that this variant may disrupt the consensus splice site. ClinVar contains an entry for this variant (Variation ID: 1350270).